The following is an entry in ClinVar:

ClinVar aggregate classification (germline): Uncertain significance. Review status: criteria provided, multiple submitters, no conflicts (2 of 4 stars). 2 submissions from 2 submitters: Uncertain significance (2). Last evaluated 2025-12-11.

Conditions:
Inborn genetic diseases. Identifiers: MedGen C0950123, MeSH D030342.
Spondyloenchondrodysplasia with immune dysregulation (SPENCDI). Also called: ROIFMAN IMMUNOSKELETAL SYNDROME; SPONDYLOENCHONDRODYSPLASIA WITH OR WITHOUT IMMUNE DYSREGULATION; COMBINED IMMUNODEFICIENCY WITH AUTOIMMUNITY AND SPONDYLOMETAPHYSEAL DYSPLASIA. Identifiers: Orphanet 1855, MedGen C1842763, MONDO:0011939, OMIM 607944.

Submissions (2):

Ambry Genetics
Classification: Uncertain significance for Inborn genetic diseases. Last evaluated: 2025-12-11. Review status: criteria provided, single submitter. Criteria: Ambry Variant Classification Scheme 2023. Collection method: clinical testing. Allele origin: germline.

Labcorp Genetics (formerly Invitae), Labcorp
Classification: Uncertain significance for Spondyloenchondrodysplasia with immune dysregulation. Last evaluated: 2019-07-18. Review status: criteria provided, single submitter. Criteria: Invitae Variant Classification Sherloc (09022015). Collection method: clinical testing. Allele origin: germline.
Comment: This sequence change replaces proline with leucine at codon 275 of the ACP5 protein (p.Pro275Leu). The proline residue is highly conserved and there is a moderate physicochemical difference between proline and leucine. This variant is not present in population databases (ExAC no frequency). This variant has not been reported in the literature in individuals with ACP5-related conditions. Algorithms developed to predict the effect of missense changes on protein structure and function are either unavailable or do not agree on the potential impact of this missense change (SIFT: "Deleterious"; PolyPhen-2: "Probably Damaging"; Align-GVGD: "Class C0"). In summary, the available evidence is currently insufficient to determine the role of this variant in disease. Therefore, it has been classified as a Variant of Uncertain Significance.

NM_001611.5(ACP5):c.824C>T (p.Pro275Leu)

Gene: ACP5 (acid phosphatase 5, tartrate resistant; minus strand). Cytogenetic location: 19p13.2.
Variant type: single nucleotide variant.
Coding change: c.824C>T on transcript NM_001611.5 (MANE Select); coding-DNA position 824, C replaced by T.
Protein change: p.Pro275Leu; replaces proline 275 with leucine.
Molecular consequence: missense variant.
Genome position (GRCh38, 1-based): chr19:11,575,164, G>A on the plus strand (C>T on the coding strand, the complement: ACP5 is on the minus strand). VCF-style: chr19-11575164-G-A. GRCh37 (hg19) VCF-style: chr19-11685979-G-A.
Other names: c.824C>T (NM_001111035.1); c.824C>T, p.Pro275Leu (NM_001111034.3, NM_001111035.3, NM_001111036.3 and 1 more transcripts); short protein forms P275L.
Identifiers: ClinVar variation 951603 (VCV000951603.2), dbSNP rs1973082559, ClinGen allele CA404145602.